The following is an entry in ClinVar:

NM_001113491.2(SEPTIN9):c.826T>A (p.Phe276Ile)

Gene: SEPTIN9 (septin 9; plus strand). Cytogenetic location: 17q25.3.
Variant type: single nucleotide variant.
Coding change: c.826T>A on transcript NM_001113491.2 (MANE Select); coding-DNA position 826, T replaced by A.
Protein change: p.Phe276Ile; replaces phenylalanine 276 with isoleucine.
Molecular consequence: missense variant.
Genome position (GRCh38, 1-based): chr17:77,482,248, T>A. VCF-style: chr17-77482248-T-A. GRCh37 (hg19) VCF-style: chr17-75478330-T-A.
Other names: c.334T>A, p.Phe112Ile (NM_001113492.2, NM_001113494.1); c.805T>A, p.Phe269Ile (NM_001113493.2); c.73T>A, p.Phe25Ile (NM_001113495.2, NM_001113496.2, NM_001293697.2 and 1 more transcripts); c.769T>A, p.Phe257Ile (NM_001293695.2); c.154T>A, p.Phe52Ile (NM_001293696.2); c.772T>A, p.Phe258Ile (NM_006640.5); short protein forms F112I, F257I, F258I, F269I, F276I, F25I, F52I.
Identifiers: ClinVar variation 3664488 (VCV003664488.2).

ClinVar aggregate classification (germline): Uncertain significance (1 of 4 stars; one submission).

Submission:

Labcorp Genetics (formerly Invitae), Labcorp
Classification: Uncertain significance. Last evaluated: 2024-09-04. Review status: criteria provided, single submitter. Criteria: Invitae Variant Classification Sherloc (09022015). Collection method: clinical testing. Allele origin: germline.
Comment: This sequence change replaces phenylalanine, which is neutral and non-polar, with isoleucine, which is neutral and non-polar, at codon 258 of the SEPT9 protein (p.Phe258Ile). This variant is not present in population databases (gnomAD no frequency). This variant has not been reported in the literature in individuals affected with SEPT9-related conditions. Invitae Evidence Modeling of protein sequence and biophysical properties (such as structural, functional, and spatial information, amino acid conservation, physicochemical variation, residue mobility, and thermodynamic stability) indicates that this missense variant is not expected to disrupt SEPT9 protein function with a negative predictive value of 80%. In summary, the available evidence is currently insufficient to determine the role of this variant in disease. Therefore, it has been classified as a Variant of Uncertain Significance.